The following is an entry in ClinVar:

ClinVar aggregate classification (germline): Pathogenic (1 of 4 stars; one submission).

Conditions:
Capillary malformation-arteriovenous malformation syndrome. Also called: Capillary malformation-arteriovenous malformation. Identifiers: Orphanet 137667, MedGen C1842180, MONDO:0012016.

Submission:

Labcorp Genetics (formerly Invitae), Labcorp
Classification: Pathogenic for Capillary malformation-arteriovenous malformation syndrome. Last evaluated: 2019-05-30. Review status: criteria provided, single submitter. Criteria: Invitae Variant Classification Sherloc (09022015). Collection method: clinical testing. Allele origin: germline.
Comment: For these reasons, this variant has been classified as Pathogenic. Loss-of-function variants in RASA1 are known to be pathogenic (PMID: 24038909). This variant has not been reported in the literature in individuals with RASA1-related conditions. ClinVar contains an entry for this variant (Variation ID: 464859). This variant is not present in population databases (ExAC no frequency). This sequence change creates a premature translational stop signal (p.Ser853Phefs*32) in the RASA1 gene. It is expected to result in an absent or disrupted protein product.

Literature cited by the submitters: PubMed 24038909.

NM_002890.3(RASA1):c.2557dup (p.Ser853fs)

Genes: CCNH (cyclin H; minus strand), RASA1 (RAS p21 protein activator 1; plus strand). Cytogenetic location: 5q14.3.
Variant type: Duplication.
Coding change: c.2557dup on transcript NM_002890.3 (MANE Select); coding-DNA position 2557, one base duplicated (T; older notation c.2557dupT).
Protein change: p.Ser853fs; shifts the reading frame from serine 853.
Molecular consequence: frameshift variant. On other transcripts: intron variant (1).
Genome position (GRCh38, 1-based): chr5:87,379,804, T duplicated; the last of 3 consecutive T bases (chr5:87,379,802-87,379,804); duplicating any one gives the same sequence. VCF-style (leftmost placement, unchanged base first): chr5-87379801-C-CT. GRCh37 (hg19) VCF-style: chr5-86675618-C-CT.
Other names: c.2557dupT (NM_002890.2); c.2026dup, p.Ser676fs (NM_022650.3); c.933+15242dup (NM_001364075.2); short protein forms S853fs, S676fs.
Identifiers: ClinVar variation 464859 (VCV000464859.11), dbSNP rs1554049825, ClinGen allele CA658657459.